The following is an entry in ClinVar:

NM_001378454.1(ALMS1):c.7918T>A (p.Phe2640Ile)

Gene: ALMS1 (ALMS1 centrosome and basal body associated protein; plus strand). Cytogenetic location: 2p13.1.
Variant type: single nucleotide variant.
Coding change: c.7918T>A on transcript NM_001378454.1 (MANE Select); coding-DNA position 7918, T replaced by A.
Protein change: p.Phe2640Ile; replaces phenylalanine 2640 with isoleucine.
Molecular consequence: missense variant.
Genome position (GRCh38, 1-based): chr2:73,489,877, T>A. VCF-style: chr2-73489877-T-A. GRCh37 (hg19) VCF-style: chr2-73717004-T-A.
Other names: c.7921T>A, p.Phe2641Ile (NM_015120.4); short protein forms F2640I, F2641I.
Identifiers: ClinVar variation 4713292 (VCV004713292.1).
Genomic context (GRCh38, chr2:73,489,877, plus strand): 5'-TCATCATGCAGAGCCAAGCATGTCAACCTTTCTGCATCCTTAGACCAGAACAACTCCCAT[T>A]TCAAAGTTTGGAATTCCTTGCAGTTAAAAAGTCATTCCCCATTTCAGAACTTTATACCTG-3'
Protein context (NP_001365383.1, residues 2630-2650): SASLDQNNSH[Phe2640Ile]KVWNSLQLKS

ClinVar aggregate classification (germline): Uncertain significance (1 of 4 stars; one submission).

Conditions:
Alstrom syndrome (ALMS). Identifiers: Orphanet 64, MedGen C0268425, MONDO:0008763, OMIM 203800.

Submission:

Labcorp Genetics (formerly Invitae), Labcorp
Classification: Uncertain significance for Alstrom syndrome. Last evaluated: 2025-02-17. Review status: criteria provided, single submitter. Criteria: Invitae Variant Classification Sherloc (09022015). Collection method: clinical testing. Allele origin: germline.
Comment: This sequence change replaces phenylalanine, which is neutral and non-polar, with isoleucine, which is neutral and non-polar, at codon 2641 of the ALMS1 protein (p.Phe2641Ile). This variant is not present in population databases (gnomAD no frequency). This variant has not been reported in the literature in individuals affected with ALMS1-related conditions. Experimental studies and prediction algorithms are not available or were not evaluated, and the functional significance of this variant is currently unknown. In summary, the available evidence is currently insufficient to determine the role of this variant in disease. Therefore, it has been classified as a Variant of Uncertain Significance.